The following is an entry in ClinVar:

ClinVar aggregate classification (germline): Uncertain significance (1 of 4 stars; one submission).

Conditions:
Cardiovascular phenotype. Identifiers: MedGen CN230736.

Submission:

Ambry Genetics
Classification: Uncertain significance for Cardiovascular phenotype. Last evaluated: 2025-07-12. Review status: criteria provided, single submitter. Criteria: Ambry Variant Classification Scheme 2023. Collection method: clinical testing. Allele origin: germline.
Comment: The p.F118L variant (also known as c.354T>G), located in coding exon 2 of the CBL gene, results from a T to G substitution at nucleotide position 354. The phenylalanine at codon 118 is replaced by leucine, an amino acid with highly similar properties. This amino acid position is conserved. In addition, this alteration is predicted to be deleterious by in silico analysis. Based on the available evidence, the clinical significance of this variant remains unclear.

NM_005188.4(CBL):c.354T>G (p.Phe118Leu)

Gene: CBL (Cbl proto-oncogene; plus strand). Cytogenetic location: 11q23.3.
Variant type: single nucleotide variant.
Coding change: c.354T>G on transcript NM_005188.4 (MANE Select); coding-DNA position 354, T replaced by G.
Protein change: p.Phe118Leu; replaces phenylalanine 118 with leucine.
Molecular consequence: missense variant.
Genome position (GRCh38, 1-based): chr11:119,232,606, T>G. VCF-style: chr11-119232606-T-G. GRCh37 (hg19) VCF-style: chr11-119103316-T-G.
Other names: short protein forms F118L.
Identifiers: ClinVar variation 4219863 (VCV004219863.1).